The following is an entry in ClinVar:

ClinVar aggregate classification (germline): Uncertain significance. Review status: criteria provided, multiple submitters, no conflicts (2 of 4 stars). 3 submissions from 3 submitters: Uncertain significance (3). Last evaluated 2025-09-11.

Conditions:
Inborn genetic diseases. Identifiers: MedGen C0950123, MeSH D030342.
Glomerulopathy with fibronectin deposits 2 (GFND2). Identifiers: Orphanet 84090, MedGen C1866075, MONDO:0011165, OMIM 601894.
Spondylometaphyseal dysplasia - Sutcliffe type. Also called: Sutcliffe type of spondylometaphyseal dysplasia; Sutcliffe SMD; Spondylometaphyseal dysplasia, 'corner fracture' type; Spondylometaphyseal Dysplasia, Corner Fracture Type. Identifiers: Orphanet 93315, MedGen C0432221, MONDO:0008479, OMIM 184255.

Allele frequency attached by ClinVar (database versions not stated): gnomAD exomes below 0.00001.
gnomAD v4.1: 6 of 1,602,762 alleles (0.00037%); highest among the groups gnomAD compares: East Asian, 0.0022%; no homozygotes.

Submissions (3):

Ambry Genetics
Classification: Uncertain significance for Inborn genetic diseases. Last evaluated: 2025-09-11. Review status: criteria provided, single submitter. Criteria: Ambry Variant Classification Scheme 2023. Collection method: clinical testing. Allele origin: germline.

Labcorp Genetics (formerly Invitae), Labcorp
Classification: Uncertain significance. Last evaluated: 2024-09-16. Review status: criteria provided, single submitter. Criteria: Invitae Variant Classification Sherloc (09022015). Collection method: clinical testing. Allele origin: germline.
Comment: This sequence change replaces valine, which is neutral and non-polar, with alanine, which is neutral and non-polar, at codon 1899 of the FN1 protein (p.Val1899Ala). This variant is not present in population databases (gnomAD no frequency). This variant has not been reported in the literature in individuals affected with FN1-related conditions. ClinVar contains an entry for this variant (Variation ID: 2177719). An algorithm developed to predict the effect of missense changes on protein structure and function outputs the following: PolyPhen-2: "Benign". The alanine amino acid residue is found in multiple mammalian species, which suggests that this missense change does not adversely affect protein function. In summary, the available evidence is currently insufficient to determine the role of this variant in disease. Therefore, it has been classified as a Variant of Uncertain Significance.

Fulgent Genetics
Classification: Uncertain significance for Spondylometaphyseal dysplasia - Sutcliffe type; Glomerulopathy with fibronectin deposits 2. Last evaluated: 2024-06-24. Review status: criteria provided, single submitter. Criteria: ACMG Guidelines, 2015. Collection method: clinical testing. Allele origin: germline.

NM_212482.4(FN1):c.5696T>C (p.Val1899Ala)

Gene: FN1 (fibronectin 1; minus strand). Cytogenetic location: 2q35.
Variant type: single nucleotide variant.
Coding change: c.5696T>C on transcript NM_212482.4 (MANE Select); coding-DNA position 5696, T replaced by C.
Protein change: p.Val1899Ala; replaces valine 1899 with alanine.
Molecular consequence: missense variant.
Genome position (GRCh38, 1-based): chr2:215,378,189, A>G on the plus strand (T>C on the coding strand, the complement: FN1 is on the minus strand). VCF-style: chr2-215378189-A-G. GRCh37 (hg19) VCF-style: chr2-216242912-A-G.
Other names: c.5423T>C, p.Val1808Ala (NM_002026.4, NM_212478.3, NM_001365518.2 and 2 more transcripts); c.5153T>C, p.Val1718Ala (NM_212474.3, NM_212476.3, NM_001306131.2 and 2 more transcripts); c.5696T>C, p.Val1899Ala (NM_001306129.2); c.5426T>C, p.Val1809Ala (NM_001306130.2, NM_001365517.2, NM_001365519.2 and 2 more transcripts); c.5696T>C (NM_212482.1); short protein forms V1808A, V1899A, V1809A, V1718A.
Identifiers: ClinVar variation 2177719 (VCV002177719.6), dbSNP rs1046257266, ClinGen allele CA64854088.
Genomic context (GRCh38, chr2:215,378,189, plus strand): 5'-TGTCTATACAGAAGGTTTGTCCATATGAAGACATTTTGTTACTTACTCTCCAGAGTGGTG[A>G]CAACTCCCTGAGCTGGTCTGCTTGTCAAAGTGTCCTTAAGAGCATAGACACTCACTTCAT-3'
Protein context (NP_997647.2, residues 1889-1909): TLTSRPAQGV[Val1899Ala]TTLENVSPPR